The following is an entry in ClinVar:

NM_000702.4(ATP1A2):c.1418C>T (p.Pro473Leu)

Gene: ATP1A2 (ATPase Na+/K+ transporting subunit alpha 2; plus strand). Cytogenetic location: 1q23.2.
Variant type: single nucleotide variant.
Coding change: c.1418C>T on transcript NM_000702.4 (MANE Select); coding-DNA position 1418, C replaced by T.
Protein change: p.Pro473Leu; replaces proline 473 with leucine.
Molecular consequence: missense variant.
Genome position (GRCh38, 1-based): chr1:160,129,357, C>T. VCF-style: chr1-160129357-C-T. GRCh37 (hg19) VCF-style: chr1-160099147-C-T.
Other names: short protein forms P473L.
Identifiers: ClinVar variation 856727 (VCV000856727.9), dbSNP rs1000639881, ClinGen allele CA31497125.

ClinVar aggregate classification (germline): Uncertain significance (1 of 4 stars; one submission).

Conditions:
Familial hemiplegic migraine. Identifiers: MedGen C0338484, MONDO:0000700.

Allele frequency attached by ClinVar (database versions not stated): gnomAD exomes below 0.00001; TOPMed below 0.00001.
gnomAD v4.1: 2 of 1,614,094 alleles (0.00012%); highest among the groups gnomAD compares: Non-Finnish European, 0.00017%; no homozygotes.

Submission:

Labcorp Genetics (formerly Invitae), Labcorp
Classification: Uncertain significance for Familial hemiplegic migraine. Last evaluated: 2019-11-26. Review status: criteria provided, single submitter. Criteria: Invitae Variant Classification Sherloc (09022015). Collection method: clinical testing. Allele origin: germline.
Comment: In summary, the available evidence is currently insufficient to determine the role of this variant in disease. Therefore, it has been classified as a Variant of Uncertain Significance. Algorithms developed to predict the effect of missense changes on protein structure and function are either unavailable or do not agree on the potential impact of this missense change (SIFT: "Deleterious"; PolyPhen-2: "Benign"; Align-GVGD: "Class C65"). This variant has not been reported in the literature in individuals with ATP1A2-related conditions. This variant is not present in population databases (ExAC no frequency). This sequence change replaces proline with leucine at codon 473 of the ATP1A2 protein (p.Pro473Leu). The proline residue is highly conserved and there is a moderate physicochemical difference between proline and leucine.